The following is an entry in ClinVar:

NM_002234.4(KCNA5):c.937G>A (p.Ala313Thr)

Gene: KCNA5 (potassium voltage-gated channel subfamily A member 5; plus strand). Cytogenetic location: 12p13.32.
Variant type: single nucleotide variant.
Coding change: c.937G>A on transcript NM_002234.4 (MANE Select); coding-DNA position 937, G replaced by A.
Protein change: p.Ala313Thr; replaces alanine 313 with threonine.
Molecular consequence: missense variant.
Genome position (GRCh38, 1-based): chr12:5,045,084, G>A. VCF-style: chr12-5045084-G-A. GRCh37 (hg19) VCF-style: chr12-5154250-G-A.
Other names: short protein forms A313T.
Identifiers: ClinVar variation 3769385 (VCV003769385.2).

ClinVar aggregate classification (germline): Uncertain significance (1 of 4 stars; one submission).

Submission:

Women's Health and Genetics/Laboratory Corporation of America, LabCorp
Classification: Uncertain significance. Last evaluated: 2025-01-27. Review status: criteria provided, single submitter. Criteria: LabCorp Variant Classification Summary - May 2015. Collection method: clinical testing. Allele origin: germline.
Comment: Variant summary: KCNA5 c.937G>A (p.Ala313Thr) results in a non-conservative amino acid change located in the Voltage-gated potassium channels Chain C domain (IPR027359) of the encoded protein sequence. Four of five in-silico tools predict a benign effect of the variant on protein function. The variant allele was found at a frequency of 4e-06 in 248514 control chromosomes. The available data on variant occurrences in the general population are insufficient to allow any conclusion about variant significance. To our knowledge, no occurrence of c.937G>A in individuals affected with Atrial Fibrillation and no experimental evidence demonstrating its impact on protein function have been reported. No submitters have cited clinical-significance assessments for this variant to ClinVar. Based on the evidence outlined above, the variant was classified as uncertain significance.